The following is an entry in ClinVar:

NM_001083116.3(PRF1):c.617C>A (p.Ala206Asp)

Gene: PRF1 (perforin 1; minus strand). Cytogenetic location: 10q22.1.
Variant type: single nucleotide variant.
Coding change: c.617C>A on transcript NM_001083116.3 (MANE Select); coding-DNA position 617, C replaced by A.
Protein change: p.Ala206Asp; replaces alanine 206 with aspartic acid.
Molecular consequence: missense variant.
Genome position (GRCh38, 1-based): chr10:70,599,104, G>T on the plus strand (C>A on the coding strand, the complement: PRF1 is on the minus strand). VCF-style: chr10-70599104-G-T. GRCh37 (hg19) VCF-style: chr10-72358860-G-T.
Other names: c.617C>A, p.Ala206Asp (NM_005041.6); short protein forms A206D.
Identifiers: ClinVar variation 4057161 (VCV004057161.1).

ClinVar aggregate classification (germline): Uncertain significance (1 of 4 stars; one submission).

Submission:

GeneDx
Classification: Uncertain significance. Last evaluated: 2025-01-11. Review status: criteria provided, single submitter. Criteria: GeneDx Variant Classification Process June 2021. Collection method: clinical testing. Allele origin: germline. Affected: yes.
Comment: Not observed at significant frequency in large population cohorts (gnomAD); In silico analysis indicates that this missense variant does not alter protein structure/function; Has not been previously published as pathogenic or benign to our knowledge